The following is an entry in ClinVar:

NM_001032382.2(PQBP1):c.585C>T (p.Ser195=)

Gene: PQBP1 (polyglutamine binding protein 1; plus strand). Cytogenetic location: Xp11.23.
Variant type: single nucleotide variant.
Coding change: c.585C>T on transcript NM_001032382.2 (MANE Select); coding-DNA position 585, C replaced by T.
Protein change: p.Ser195=; no amino-acid change (serine 195 retained).
Molecular consequence: synonymous variant.
Genome position (GRCh38, 1-based): chrX:48,902,739, C>T. VCF-style: chrX-48902739-C-T. GRCh37 (hg19) VCF-style: chrX-48760016-C-T.
Other names: c.585C>T, p.Ser195= (NM_001032381.2, NM_001032383.2, NM_001032384.1 and 1 more transcripts); c.582C>T, p.Ser194= (NM_001167989.2); c.561C>T, p.Ser187= (NM_001167990.2); c.285C>T, p.Ser95= (NM_001167992.1); c.300C>T, p.Ser100= (NM_144495.3).
Identifiers: ClinVar variation 368453 (VCV000368453.41), dbSNP rs149688357, ClinGen allele CA10405959.

ClinVar aggregate classification (germline): Benign/Likely benign. Review status: criteria provided, multiple submitters, no conflicts (2 of 4 stars). 7 submissions from 7 submitters: Benign (2); Likely benign (2). 3 of the submissions do not count toward it. Last evaluated 2026-01-06.

Conditions:
Renpenning syndrome. Also called: Mental retardation, X-linked Renpenning type; X-linked mental retardation with spastic diplegia; X-linked mental retardation syndromic 3; Sutherland-Haan syndrome; SUTHERLAND-HAAN X-LINKED MENTAL RETARDATION SYNDROME; GOLABI-ITO-HALL SYNDROME. Identifiers: Orphanet 3242, MedGen C0796135, MONDO:0010653, OMIM 309500.
PQBP1-related disorder. Also called: PQBP1-related condition.

Allele frequency attached by ClinVar (database versions not stated): ESP Exome Variant Server 0.00019; gnomAD 0.00025 and 0.00011; gnomAD exomes 0.00027 and 0.00043; ExAC 0.00055; 1000 Genomes Project 30x 0.00062; 1000 Genomes Project 0.00079; TOPMed 0.00015.

Submissions (7):

Labcorp Genetics (formerly Invitae), Labcorp
Classification: Benign. Last evaluated: 2026-01-06. Review status: criteria provided, single submitter. Criteria: Invitae Variant Classification Sherloc (09022015). Collection method: clinical testing. Allele origin: germline.

Blueprint Genetics
Classification: Likely benign. Last evaluated: 2024-11-07. Review status: criteria provided, single submitter. Criteria: ACMG Guidelines, 2015. Collection method: clinical testing. Allele origin: germline.

CeGaT Center for Human Genetics Tuebingen
Classification: Likely benign. Last evaluated: 2023-04-01. Review status: criteria provided, single submitter. Criteria: CeGaT Center For Human Genetics Tuebingen Variant Classification Criteria Version 2. Collection method: clinical testing. Allele origin: germline. Affected: yes. Observed: 1 variant allele.
Comment: PQBP1: BP4, BP7, BS2

Illumina Laboratory Services, Illumina
Classification: Benign for Renpenning syndrome. Last evaluated: 2018-01-12. Review status: criteria provided, single submitter. Criteria: ICSL Variant Classification Criteria 13 December 2019. Collection method: clinical testing. Allele origin: germline.
Comment: This variant was observed in the ICSL laboratory as part of a predisposition screen in an ostensibly healthy population. It had not been previously curated by ICSL or reported in the Human Gene Mutation Database (HGMD: prior to June 1st, 2018), and was therefore a candidate for classification through an automated scoring system. Utilizing variant allele frequency, disease prevalence and penetrance estimates, and inheritance mode, an automated score was calculated to assess if this variant is too frequent to cause the disease. Based on the score and internal cut-off values, a variant classified as benign is not then subjected to further curation. The score for this variant resulted in a classification of benign for this disease.

PreventionGenetics, part of Exact Sciences
Classification: Likely benign for PQBP1-related condition. Last evaluated: 2021-12-30. Review status: no assertion criteria provided. Collection method: clinical testing. Allele origin: germline. Not counted in ClinVar's aggregate classification.
Comment: This variant is classified as likely benign based on ACMG/AMP sequence variant interpretation guidelines (Richards et al. 2015 PMID: 25741868, with internal and published modifications).

Clinical Genetics DNA and cytogenetics Diagnostics Lab, Erasmus MC, Erasmus Medical Center
Classification: Likely benign. Review status: no assertion criteria provided. Collection method: clinical testing. Allele origin: germline. Affected: yes. Study: VKGL Data-share Consensus. Not counted in ClinVar's aggregate classification.

Genome Diagnostics Laboratory, University Medical Center Utrecht
Classification: Likely benign. Review status: no assertion criteria provided. Collection method: clinical testing. Allele origin: germline. Affected: yes. Study: VKGL Data-share Consensus. Not counted in ClinVar's aggregate classification.